The following is an entry in ClinVar:

ClinVar aggregate classification (germline): Pathogenic (1 of 4 stars; one submission).

Conditions:
Osteogenesis imperfecta type I (OI1). Also called: OI, TYPE I; OSTEOGENESIS IMPERFECTA TARDA; OSTEOGENESIS IMPERFECTA WITH BLUE SCLERAE; Osteogenesis imperfecta type 1; Lobstein's Disease; Lobstein disease. Identifiers: Orphanet 216796, Orphanet 666, MedGen C0023931, MONDO:0008146, OMIM 166200. Disease mechanism: loss of function.

Submission:

Laboratory of Genetic Skeletal Anomaly, Seoul National University Children's Hospital
Classification: Pathogenic for Osteogenesis imperfecta type I. Last evaluated: 2025-03-01. Review status: criteria provided, single submitter. Criteria: ACMG Guidelines, 2015. Collection method: research. Allele origin: germline. Affected: yes.
Comment: This variant is a novel variant not previously reported in the literature or population databases. It was classified based on available in silico predictions and absence from gnomAD.

NM_000088.4(COL1A1):c.978del (p.Ala327fs)

Gene: COL1A1 (collagen type I alpha 1 chain; minus strand). Cytogenetic location: 17q21.33.
Variant type: Deletion.
Coding change: c.978del on transcript NM_000088.4 (MANE Select); coding-DNA position 978, one base deleted (T; older notation c.978delT).
Protein change: p.Ala327fs; shifts the reading frame from alanine 327.
Molecular consequence: frameshift variant.
Genome position (GRCh38, 1-based): chr17:50,196,179, A deleted on the plus strand (T on the coding strand, the reverse complement: COL1A1 is on the minus strand). VCF-style (leftmost placement, unchanged base first): chr17-50196178-CA-C. GRCh37 (hg19) VCF-style: chr17-48273539-CA-C.
Other names: c.978delT (NM_000088.4); short protein forms A327fs.
Identifiers: ClinVar variation 4280682 (VCV004280682.1).